The following is an entry in ClinVar:

NM_203437.4(AFTPH):c.1858A>G (p.Thr620Ala)

Gene: AFTPH (aftiphilin; plus strand). Cytogenetic location: 2p14.
Variant type: single nucleotide variant.
Coding change: c.1858A>G on transcript NM_203437.4 (MANE Select); coding-DNA position 1858, A replaced by G.
Protein change: p.Thr620Ala; replaces threonine 620 with alanine.
Molecular consequence: missense variant. On other transcripts: non-coding transcript variant (3).
Genome position (GRCh38, 1-based): chr2:64,553,332, A>G. VCF-style: chr2-64553332-A-G. GRCh37 (hg19) VCF-style: chr2-64780466-A-G.
Other names: c.1858A>G, p.Thr620Ala (NM_001002243.3, NM_001375969.1, NM_001375970.1 and 6 more transcripts); short protein forms T620A.
Identifiers: ClinVar variation 2651002 (VCV002651002.24), dbSNP rs34934815, ClinGen allele CA1685226.

ClinVar aggregate classification (germline): Likely benign (1 of 4 stars; one submission).

Allele frequency attached by ClinVar (database versions not stated): 1000 Genomes Project 0.00200; 1000 Genomes Project 30x 0.00250; gnomAD 0.00309; ExAC 0.00331; ESP Exome Variant Server 0.00338; TOPMed 0.00351; gnomAD exomes 0.00364.
gnomAD v4.1: 5,796 of 1,613,868 alleles (0.36%); highest among the groups gnomAD compares: Middle Eastern, 0.73%; 13 homozygotes.

Submission:

CeGaT Center for Human Genetics Tuebingen
Classification: Likely benign. Last evaluated: 2025-06-01. Review status: criteria provided, single submitter. Criteria: CeGaT Center For Human Genetics Tuebingen Variant Classification Criteria Version 2. Collection method: clinical testing. Allele origin: germline. Affected: yes. Observed: 2 variant alleles.
Comment: AFTPH: BP4, BS2